The following is an entry in ClinVar:

NM_001145860.2(POP1):c.2339C>T (p.Ser780Leu)

Gene: POP1 (POP1 homolog, ribonuclease P/MRP subunit; plus strand). Cytogenetic location: 8q22.2.
Variant type: single nucleotide variant.
Coding change: c.2339C>T on transcript NM_001145860.2 (MANE Select); coding-DNA position 2339, C replaced by T.
Protein change: p.Ser780Leu; replaces serine 780 with leucine.
Molecular consequence: missense variant.
Genome position (GRCh38, 1-based): chr8:98,156,331, C>T. VCF-style: chr8-98156331-C-T. GRCh37 (hg19) VCF-style: chr8-99168559-C-T.
Other names: c.2339C>T, p.Ser780Leu (NM_001145861.2, NM_015029.3); c.2339C>T (NM_015029.2); short protein forms S780L.
Identifiers: ClinVar variation 1514799 (VCV001514799.7), dbSNP rs149744031, ClinGen allele CA4820805.

ClinVar aggregate classification (germline): Uncertain significance. Review status: criteria provided, multiple submitters, no conflicts (2 of 4 stars). 2 submissions from 2 submitters: Uncertain significance (2). Last evaluated 2024-06-04.

Conditions:
Inborn genetic diseases. Identifiers: MedGen C0950123, MeSH D030342.

Allele frequency attached by ClinVar (database versions not stated): TOPMed 0.00021; ESP Exome Variant Server 0.00023; gnomAD 0.00023 and 0.00025.
gnomAD v4.1: 112 of 1,613,934 alleles (0.0069%); highest among the groups gnomAD compares: African/African-American, 0.068%; no homozygotes.

Submissions (2):

Ambry Genetics
Classification: Uncertain significance for Inborn genetic diseases. Last evaluated: 2024-06-04. Review status: criteria provided, single submitter. Criteria: Ambry Variant Classification Scheme 2023. Collection method: clinical testing. Allele origin: germline.

Labcorp Genetics (formerly Invitae), Labcorp
Classification: Uncertain significance. Last evaluated: 2022-04-06. Review status: criteria provided, single submitter. Criteria: Invitae Variant Classification Sherloc (09022015). Collection method: clinical testing. Allele origin: germline.
Comment: This sequence change replaces serine, which is neutral and polar, with leucine, which is neutral and non-polar, at codon 780 of the POP1 protein (p.Ser780Leu). This variant is present in population databases (rs149744031, gnomAD 0.07%). This variant has not been reported in the literature in individuals affected with POP1-related conditions. Algorithms developed to predict the effect of missense changes on protein structure and function (SIFT, PolyPhen-2, Align-GVGD) all suggest that this variant is likely to be tolerated. In summary, the available evidence is currently insufficient to determine the role of this variant in disease. Therefore, it has been classified as a Variant of Uncertain Significance.